The following is an entry in ClinVar:

ClinVar aggregate classification (germline): Uncertain significance (1 of 4 stars; one submission).

Conditions:
ABCB4-related disorder. Also called: ABCB4-related disorders; ABCB4-related condition.

Allele frequency attached by ClinVar (database versions not stated): gnomAD exomes below 0.00001.
gnomAD v4.1: 1 of 1,614,130 alleles (0.000062%); highest among the groups gnomAD compares: Non-Finnish European, 0.000085%; no homozygotes.

Submission:

PreventionGenetics, part of Exact Sciences
Classification: Uncertain significance for ABCB4-related condition. Last evaluated: 2026-05-06. Review status: criteria provided, single submitter. Criteria: ACMG Guidelines, 2015. Collection method: clinical testing. Allele origin: germline.
Comment: The ABCB4 c.1298G>A variant is predicted to result in the amino acid substitution p.Cys433Tyr. To our knowledge, this variant has not been reported in the literature or in a large population database (gnomAD), indicating this variant is rare. At this time, the clinical significance of this variant is uncertain due to the absence of conclusive functional and genetic evidence.

NM_000443.4(ABCB4):c.1298G>A (p.Cys433Tyr)

Gene: ABCB4 (ATP binding cassette subfamily B member 4; minus strand). Cytogenetic location: 7q21.12.
Variant type: single nucleotide variant.
Coding change: c.1298G>A on transcript NM_000443.4 (MANE Select); coding-DNA position 1298, G replaced by A.
Protein change: p.Cys433Tyr; replaces cysteine 433 with tyrosine.
Molecular consequence: missense variant.
Genome position (GRCh38, 1-based): chr7:87,443,377, C>T on the plus strand (G>A on the coding strand, the complement: ABCB4 is on the minus strand). VCF-style: chr7-87443377-C-T. GRCh37 (hg19) VCF-style: chr7-87072693-C-T.
Other names: c.1298G>A, p.Cys433Tyr (NM_018849.3, NM_018850.3); short protein forms C433Y.
Identifiers: ClinVar variation 2636659 (VCV002636659.2), dbSNP rs2546837290, ClinGen allele CA368043864.